The following is an entry in ClinVar:

ClinVar aggregate classification (germline): Conflicting classifications of pathogenicity. Review status: criteria provided, conflicting classifications (1 of 4 stars). 2 submissions from 2 submitters: Uncertain significance (1); Likely benign (1). Last evaluated 2025-10-01.

Conditions:
Inborn genetic diseases. Identifiers: MedGen C0950123, MeSH D030342.
Familial hemophagocytic lymphohistiocytosis 2 (FHL2). Also called: PRF1-Related Familial Hemophagocytic Lymphohistiocytosis (PRF1-fHLH). Identifiers: Orphanet 540, MedGen C1863727, MONDO:0011337, OMIM 603553.

Allele frequency attached by ClinVar (database versions not stated): gnomAD exomes 0.00001 and 0.00003; ExAC 0.00002; TOPMed 0.00005; gnomAD 0.00006 and 0.00007; ESP Exome Variant Server 0.00008.
gnomAD v4.1: 49 of 1,614,034 alleles (0.003%); highest among the groups gnomAD compares: African/African-American, 0.012%; no homozygotes.

Submissions (2):

Labcorp Genetics (formerly Invitae), Labcorp
Classification: Uncertain significance for Familial hemophagocytic lymphohistiocytosis 2. Last evaluated: 2025-10-01. Review status: criteria provided, single submitter. Criteria: Invitae Variant Classification Sherloc (09022015). Collection method: clinical testing. Allele origin: germline.
Comment: This sequence change replaces histidine, which is basic and polar, with arginine, which is basic and polar, at codon 182 of the PRF1 protein (p.His182Arg). This variant is present in population databases (rs200383720, gnomAD 0.02%). This variant has not been reported in the literature in individuals affected with PRF1-related conditions. ClinVar contains an entry for this variant (Variation ID: 1037549). Invitae Evidence Modeling of protein sequence and biophysical properties (such as structural, functional, and spatial information, amino acid conservation, physicochemical variation, residue mobility, and thermodynamic stability) indicates that this missense variant is not expected to disrupt PRF1 protein function with a negative predictive value of 95%. In summary, the available evidence is currently insufficient to determine the role of this variant in disease. Therefore, it has been classified as a Variant of Uncertain Significance.

Ambry Genetics
Classification: Likely benign for Inborn genetic diseases. Last evaluated: 2024-12-14. Review status: criteria provided, single submitter. Criteria: Ambry Variant Classification Scheme 2023. Collection method: clinical testing. Allele origin: germline.

NM_001083116.3(PRF1):c.545A>G (p.His182Arg)

Gene: PRF1 (perforin 1; minus strand). Cytogenetic location: 10q22.1.
Variant type: single nucleotide variant.
Coding change: c.545A>G on transcript NM_001083116.3 (MANE Select); coding-DNA position 545, A replaced by G.
Protein change: p.His182Arg; replaces histidine 182 with arginine.
Molecular consequence: missense variant.
Genome position (GRCh38, 1-based): chr10:70,599,176, T>C on the plus strand (A>G on the coding strand, the complement: PRF1 is on the minus strand). VCF-style: chr10-70599176-T-C. GRCh37 (hg19) VCF-style: chr10-72358932-T-C.
Other names: c.545A>G (NM_001083116.1); c.545A>G, p.His182Arg (NM_005041.6); short protein forms H182R.
Identifiers: ClinVar variation 1037549 (VCV001037549.8), dbSNP rs200383720, ClinGen allele CA5538979.